The following is an entry in ClinVar:

ClinVar aggregate classification (germline): Benign. Review status: criteria provided, multiple submitters, no conflicts (2 of 4 stars). 3 submissions from 3 submitters: Benign (3). Last evaluated 2018-06-26.

Conditions:
Autosomal recessive limb-girdle muscular dystrophy type 2N. Also called: MUSCULAR DYSTROPHY-DYSTROGLYCANOPATHY, LIMB-GIRDLE, POMT2-RELATED; Muscular dystrophy-dystroglycanopathy (limb-girdle), type C, 2. Identifiers: Orphanet 206559, MedGen C3150418, MONDO:0013162, OMIM 613158.

Allele frequency attached by ClinVar (database versions not stated): gnomAD exomes 0.00282; gnomAD 0.03347 and 0.03577; TOPMed 0.03786; 1000 Genomes Project 0.03954; 1000 Genomes Project 30x 0.04216.
gnomAD v4.1: 8,777 of 1,394,262 alleles (0.63%); highest among the groups gnomAD compares: African/African-American, 12%; 506 homozygotes.

Submissions (3):

GeneDx
Classification: Benign. Last evaluated: 2018-06-26. Review status: criteria provided, single submitter. Criteria: GeneDx Variant Classification Process June 2021. Collection method: clinical testing. Allele origin: germline. Affected: yes.

Illumina Laboratory Services, Illumina
Classification: Benign for Autosomal recessive limb-girdle muscular dystrophy type 2N. Last evaluated: 2018-01-13. Review status: criteria provided, single submitter. Criteria: ICSL Variant Classification Criteria 13 December 2019. Collection method: clinical testing. Allele origin: germline.
Comment: This variant was observed in the ICSL laboratory as part of a predisposition screen in an ostensibly healthy population. It had not been previously curated by ICSL or reported in the Human Gene Mutation Database (HGMD: prior to June 1st, 2018), and was therefore a candidate for classification through an automated scoring system. Utilizing variant allele frequency, disease prevalence and penetrance estimates, and inheritance mode, an automated score was calculated to assess if this variant is too frequent to cause the disease. Based on the score and internal cut-off values, a variant classified as benign is not then subjected to further curation. The score for this variant resulted in a classification of benign for this disease.

Breakthrough Genomics
Classification: Benign. Review status: criteria provided, single submitter. Criteria: ACMG Guidelines, 2015. Collection method: not provided. Allele origin: germline. Inheritance: Autosomal recessive inheritance. Affected: yes.

NM_013382.7(POMT2):c.-128C>T

Genes: POMT2 (protein O-mannosyltransferase 2; minus strand), LOC130056177 (ATAC-STARR-seq lymphoblastoid silent region 5970; plus strand). Cytogenetic location: 14q24.3.
Variant type: single nucleotide variant.
Coding change: c.-128C>T on transcript NM_013382.7 (MANE Select); 128 bases upstream of the start codon, C replaced by T.
Molecular consequence: 5 prime UTR variant.
Genome position (GRCh38, 1-based): chr14:77,320,809, G>A on the plus strand (C>T on the coding strand, the complement: POMT2 is on the minus strand). VCF-style: chr14-77320809-G-A. GRCh37 (hg19) VCF-style: chr14-77787152-G-A.
Identifiers: ClinVar variation 314566 (VCV000314566.7), dbSNP rs116224770, ClinGen allele CA10635399.